The following is an entry in ClinVar:

ClinVar aggregate classification (germline): Uncertain significance (1 of 4 stars; one submission).

gnomAD v4.1: 2 of 1,614,118 alleles (0.00012%); highest among the groups gnomAD compares: Admixed American, 0.0033%; no homozygotes.

Submission:

Ambry Genetics
Classification: Uncertain significance. Last evaluated: 2023-04-18. Review status: criteria provided, single submitter. Criteria: Ambry Variant Classification Scheme 2023. Collection method: clinical testing. Allele origin: germline.
Comment: The p.L43V variant (also known as c.127C>G), located in coding exon 2 of the A2ML1 gene, results from a C to G substitution at nucleotide position 127. The leucine at codon 43 is replaced by valine, an amino acid with highly similar properties. This amino acid position is conserved. In addition, this alteration is predicted to be tolerated by in silico analysis. Since supporting evidence is limited at this time, the clinical significance of this alteration remains unclear.

NM_144670.6(A2ML1):c.127C>G (p.Leu43Val)

Genes: A2ML1 (alpha-2-macroglobulin like 1; plus strand), A2ML1-AS1 (A2ML1 antisense RNA 1; minus strand). Cytogenetic location: 12p13.31.
Variant type: single nucleotide variant.
Coding change: c.127C>G on transcript NM_144670.6 (MANE Select); coding-DNA position 127, C replaced by G.
Protein change: p.Leu43Val; replaces leucine 43 with valine.
Molecular consequence: missense variant.
Genome position (GRCh38, 1-based): chr12:8,823,246, C>G. VCF-style: chr12-8823246-C-G. GRCh37 (hg19) VCF-style: chr12-8975842-C-G.
Other names: short protein forms L43V.
Identifiers: ClinVar variation 2564141 (VCV002564141.2), dbSNP rs1051881399, ClinGen allele CA232652503.